The following is an entry in ClinVar:

NM_001042492.3(NF1):c.1421G>T (p.Ser474Ile)

Gene: NF1 (neurofibromin 1; plus strand). Cytogenetic location: 17q11.2.
Variant type: single nucleotide variant.
Coding change: c.1421G>T on transcript NM_001042492.3 (MANE Select); coding-DNA position 1421, G replaced by T.
Protein change: p.Ser474Ile; replaces serine 474 with isoleucine.
Molecular consequence: missense variant.
Genome position (GRCh38, 1-based): chr17:31,214,479, G>T. VCF-style: chr17-31214479-G-T. GRCh37 (hg19) VCF-style: chr17-29541497-G-T.
Other names: c.1421G>T, p.Ser474Ile (NM_000267.4, NM_001128147.3); short protein forms S474I.
Identifiers: ClinVar variation 4119084 (VCV004119084.1).

ClinVar aggregate classification (germline): Uncertain significance (1 of 4 stars; one submission).

Conditions:
Cardiovascular phenotype. Identifiers: MedGen CN230736.
Hereditary cancer-predisposing syndrome. Also called: Hereditary neoplastic syndrome; Neoplastic Syndromes, Hereditary; Tumor predisposition; Hereditary Cancer Syndrome. Identifiers: Orphanet 140162, MedGen C0027672, MeSH D009386, MONDO:0015356.

Submission:

Ambry Genetics
Classification: Uncertain significance for Cardiovascular phenotype; Hereditary cancer-predisposing syndrome. Last evaluated: 2025-07-01. Review status: criteria provided, single submitter. Criteria: Ambry Variant Classification Scheme 2023. Collection method: clinical testing. Allele origin: germline.
Comment: The p.S474I variant (also known as c.1421G>T), located in coding exon 13 of the NF1 gene, results from a G to T substitution at nucleotide position 1421. The serine at codon 474 is replaced by isoleucine, an amino acid with dissimilar properties. This amino acid position is conserved. In addition, this alteration is predicted to be tolerated by in silico analysis. Based on the available evidence, the clinical significance of this variant remains unclear.